The following is an entry in ClinVar:

ClinVar aggregate classification (germline): Pathogenic. Review status: criteria provided, multiple submitters, no conflicts (2 of 4 stars). 2 submissions from 2 submitters: Pathogenic (2). Last evaluated 2025-02-28.

Conditions:
Developmental and epileptic encephalopathy, 12 (DEE12). Identifiers: MedGen C3150988, MONDO:0013389, OMIM 613722.
PNKP-related disorder. Also called: PNKP-related condition; PNKP-related disorders.

Allele frequency attached by ClinVar (database versions not stated): gnomAD exomes below 0.00001; TOPMed below 0.00001.

Submissions (2):

PreventionGenetics, part of Exact Sciences
Classification: Pathogenic for PNKP-related condition. Last evaluated: 2025-02-28. Review status: criteria provided, single submitter. Criteria: ACMG Guidelines, 2015. Collection method: clinical testing. Allele origin: germline.
Comment: The PNKP c.916_917delTT variant is predicted to result in a frameshift and premature protein termination (p.Phe306Leufs*19). To our knowledge, this variant has not been reported in the literature or a large population database (gnomAD), indicating this variant is rare. Frameshift variants in PNKP are expected to be pathogenic. This variant is interpreted as pathogenic.

Labcorp Genetics (formerly Invitae), Labcorp
Classification: Pathogenic for Developmental and epileptic encephalopathy, 12. Last evaluated: 2022-11-03. Review status: criteria provided, single submitter. Criteria: Invitae Variant Classification Sherloc (09022015). Collection method: clinical testing. Allele origin: germline.
Comment: For these reasons, this variant has been classified as Pathogenic. ClinVar contains an entry for this variant (Variation ID: 841020). This variant has not been reported in the literature in individuals affected with PNKP-related conditions. This variant is not present in population databases (gnomAD no frequency). This sequence change creates a premature translational stop signal (p.Phe306Leufs*19) in the PNKP gene. It is expected to result in an absent or disrupted protein product. Loss-of-function variants in PNKP are known to be pathogenic (PMID: 20118933, 25728773).

Literature cited by the submitters: PubMed 20118933 (cited by Labcorp Genetics (formerly Invitae), Labcorp); PubMed 25728773 (cited by Labcorp Genetics (formerly Invitae), Labcorp).

NM_007254.4(PNKP):c.916_917del (p.Phe306fs)

Gene: PNKP (polynucleotide kinase 3'-phosphatase; minus strand). Cytogenetic location: 19q13.33.
Variant type: Deletion.
Coding change: c.916_917del on transcript NM_007254.4 (MANE Select); coding-DNA positions 916 to 917, 2 bases deleted (TT; older notation c.916_917delTT).
Protein change: p.Phe306fs; shifts the reading frame from phenylalanine 306.
Molecular consequence: frameshift variant.
Genome position (GRCh38, 1-based): chr19:49,862,557-49,862,558, AA deleted on the plus strand (TT on the coding strand, the reverse complement: PNKP is on the minus strand). VCF-style (leftmost placement, unchanged base first): chr19-49862556-GAA-G. GRCh37 (hg19) VCF-style: chr19-50365813-GAA-G.
Other names: c.916_917delTT (NM_007254.3); short protein forms F306fs.
Identifiers: ClinVar variation 841020 (VCV000841020.10), dbSNP rs2074784617, ClinGen allele CA916083711.